The following is an entry in ClinVar:

ClinVar aggregate classification (germline): Conflicting classifications of pathogenicity. Review status: criteria provided, conflicting classifications (1 of 4 stars). 4 submissions from 4 submitters: Likely pathogenic (1); Uncertain significance (3). Last evaluated 2023-12-19.

Conditions:
Retinal dystrophy. Also called: Inherited retinal dystrophy. Identifiers: Orphanet 71862, MedGen C0854723, MeSH D058499, MONDO:0019118, HP:0000556.

Allele frequency attached by ClinVar (database versions not stated): gnomAD exomes below 0.00001; TOPMed below 0.00001; ExAC 0.00001; gnomAD 0.00001.
gnomAD v4.1: 8 of 1,614,076 alleles (0.0005%); highest among the groups gnomAD compares: Non-Finnish European, 0.00068%; no homozygotes.

Submissions (4):

Blueprint Genetics
Classification: Uncertain significance. Last evaluated: 2023-12-19. Review status: criteria provided, single submitter. Criteria: ACMG Guidelines, 2015. Collection method: clinical testing. Allele origin: germline.

CeGaT Center for Human Genetics Tuebingen
Classification: Uncertain significance. Last evaluated: 2023-03-01. Review status: criteria provided, single submitter. Criteria: CeGaT Center For Human Genetics Tuebingen Variant Classification Criteria Version 2. Collection method: clinical testing. Allele origin: germline. Affected: yes. Observed: 2 variant alleles.
Comment: MERTK: PM2, PM3, PP3

Labcorp Genetics (formerly Invitae), Labcorp
Classification: Uncertain significance. Last evaluated: 2021-06-05. Review status: criteria provided, single submitter. Criteria: Invitae Variant Classification Sherloc (09022015). Collection method: clinical testing. Allele origin: germline.
Comment: In summary, the available evidence is currently insufficient to determine the role of this variant in disease. Therefore, it has been classified as a Variant of Uncertain Significance. Algorithms developed to predict the effect of missense changes on protein structure and function (SIFT, PolyPhen-2, Align-GVGD) all suggest that this variant is likely to be disruptive, but these predictions have not been confirmed by published functional studies and their clinical significance is uncertain. This variant has been observed in individual(s) with clinical features of MERTK-related conditions (PMID: 29555955). ClinVar contains an entry for this variant (Variation ID: 444514). This variant is present in population databases (rs747894786, ExAC 0.001%). This sequence change replaces glycine with aspartic acid at codon 787 of the MERTK protein (p.Gly787Asp). The glycine residue is highly conserved and there is a moderate physicochemical difference between glycine and aspartic acid.

Institute of Human Genetics, Univ. Regensburg, Univ. Regensburg
Classification: Likely pathogenic for Retinal dystrophy. Last evaluated: 2019-01-01. Review status: criteria provided, single submitter. Criteria: ACMG Guidelines, 2015. Collection method: clinical testing. Allele origin: germline. Affected: yes.

Literature cited by the submitters: PubMed 29555955 (cited by Labcorp Genetics (formerly Invitae), Labcorp and Institute of Human Genetics, Univ. Regensburg, Univ. Regensburg); PubMed 3253185 (cited by Institute of Human Genetics, Univ. Regensburg, Univ. Regensburg).

NM_006343.3(MERTK):c.2360G>A (p.Gly787Asp)

Gene: MERTK (MER proto-oncogene, tyrosine kinase; plus strand). Cytogenetic location: 2q13.
Variant type: single nucleotide variant.
Coding change: c.2360G>A on transcript NM_006343.3 (MANE Select); coding-DNA position 2360, G replaced by A.
Protein change: p.Gly787Asp; replaces glycine 787 with aspartic acid.
Molecular consequence: missense variant.
Genome position (GRCh38, 1-based): chr2:112,022,268, G>A. VCF-style: chr2-112022268-G-A. GRCh37 (hg19) VCF-style: chr2-112779845-G-A.
Other names: short protein forms G787D.
Identifiers: ClinVar variation 444514 (VCV000444514.50), dbSNP rs747894786, ClinGen allele CA1831816.